The following is an entry in ClinVar:

ClinVar aggregate classification (germline): Uncertain significance (1 of 4 stars; one submission).

Conditions:
Hereditary cancer-predisposing syndrome. Also called: Neoplastic Syndromes, Hereditary; Tumor predisposition; Hereditary Cancer Syndrome; Hereditary neoplastic syndrome. Identifiers: Orphanet 140162, MedGen C0027672, MeSH D009386, MONDO:0015356.

Submission:

Ambry Genetics
Classification: Uncertain significance for Hereditary cancer-predisposing syndrome. Last evaluated: 2025-12-02. Review status: criteria provided, single submitter. Criteria: Ambry Variant Classification Scheme 2023. Collection method: clinical testing. Allele origin: germline.
Comment: The p.G434D variant (also known as c.1301G>A), located in coding exon 12 of the EGFR gene, results from a G to A substitution at nucleotide position 1301. The glycine at codon 434 is replaced by aspartic acid, an amino acid with similar properties. This nucleotide position is highly conserved in available vertebrate species. In silico splice site analysis predicts that this alteration will result in the creation or strengthening of a novel splice acceptor site. This amino acid position is highly conserved in available vertebrate species. In addition, the in silico prediction for the missense impact of this alteration is inconclusive. Based on the available evidence, the clinical significance of this variant remains unclear.

NM_005228.5(EGFR):c.1301G>A (p.Gly434Asp)

Gene: EGFR (epidermal growth factor receptor; plus strand). Cytogenetic location: 7p11.2.
Variant type: single nucleotide variant.
Coding change: c.1301G>A on transcript NM_005228.5 (MANE Select); coding-DNA position 1301, G replaced by A.
Protein change: p.Gly434Asp; replaces glycine 434 with aspartic acid.
Molecular consequence: missense variant.
Genome position (GRCh38, 1-based): chr7:55,160,141, G>A. VCF-style: chr7-55160141-G-A. GRCh37 (hg19) VCF-style: chr7-55227834-G-A.
Other names: c.1166G>A, p.Gly389Asp (NM_001346897.2, NM_001346899.2); c.1301G>A, p.Gly434Asp (NM_001346898.2, NM_201282.2, NM_201284.2); c.1142G>A, p.Gly381Asp (NM_001346900.2); c.500G>A, p.Gly167Asp (NM_001346941.2); short protein forms G381D, G389D, G434D, G167D.
Identifiers: ClinVar variation 4639712 (VCV004639712.1).